The following is an entry in ClinVar:

NM_001042492.3(NF1):c.143A>C (p.Lys48Thr)

Gene: NF1 (neurofibromin 1; plus strand). Cytogenetic location: 17q11.2.
Variant type: single nucleotide variant.
Coding change: c.143A>C on transcript NM_001042492.3 (MANE Select); coding-DNA position 143, A replaced by C.
Protein change: p.Lys48Thr; replaces lysine 48 with threonine.
Molecular consequence: missense variant.
Genome position (GRCh38, 1-based): chr17:31,156,065, A>C. VCF-style: chr17-31156065-A-C. GRCh37 (hg19) VCF-style: chr17-29483083-A-C.
Other names: c.143A>C, p.Lys48Thr (NM_000267.4, NM_001128147.3); short protein forms K48T.
Identifiers: ClinVar variation 527519 (VCV000527519.5), dbSNP rs1555604902, ClinGen allele CA398988450.

ClinVar aggregate classification (germline): Uncertain significance (1 of 4 stars; one submission).

Conditions:
Neurofibromatosis, type 1 (NF1). Also called: VON RECKLINGHAUSEN DISEASE; NEUROFIBROMATOSIS, TYPE I, SOMATIC; Peripheral type neurofibromatosis; Neurofibromatosis, type I. Identifiers: Orphanet 636, MedGen C0027831, MONDO:0018975, OMIM 162200. Disease mechanism: loss of function.

Submission:

Labcorp Genetics (formerly Invitae), Labcorp
Classification: Uncertain significance for Neurofibromatosis, type 1. Last evaluated: 2025-02-09. Review status: criteria provided, single submitter. Criteria: Invitae Variant Classification Sherloc (09022015). Collection method: clinical testing. Allele origin: germline.
Comment: This sequence change replaces lysine, which is basic and polar, with threonine, which is neutral and polar, at codon 48 of the NF1 protein (p.Lys48Thr). This variant is not present in population databases (gnomAD no frequency). This variant has not been reported in the literature in individuals affected with NF1-related conditions. ClinVar contains an entry for this variant (Variation ID: 527519). Invitae Evidence Modeling of protein sequence and biophysical properties (such as structural, functional, and spatial information, amino acid conservation, physicochemical variation, residue mobility, and thermodynamic stability) indicates that this missense variant is expected to disrupt NF1 protein function with a positive predictive value of 80%. In summary, the available evidence is currently insufficient to determine the role of this variant in disease. Therefore, it has been classified as a Variant of Uncertain Significance.